The following is an entry in ClinVar:

ClinVar aggregate classification (germline): Benign (0 of 4 stars; one submission).

Conditions:
TRIM54-related disorder. Also called: TRIM54-related condition.

Allele frequency attached by ClinVar (database versions not stated): ExAC 0.00148; ESP Exome Variant Server 0.00461; 1000 Genomes Project 0.00479; gnomAD 0.00510; 1000 Genomes Project 30x 0.00515; TOPMed 0.00564.
gnomAD v4.1: 1,585 of 1,614,118 alleles (0.098%); highest among the groups gnomAD compares: African/African-American, 1.9%; 10 homozygotes.

Submission:

PreventionGenetics, part of Exact Sciences
Classification: Benign for TRIM54-related condition. Last evaluated: 2019-08-26. Review status: no assertion criteria provided. Collection method: clinical testing. Allele origin: germline.
Comment: This variant is classified as benign based on ACMG/AMP sequence variant interpretation guidelines (Richards et al. 2015 PMID: 25741868, with internal and published modifications).

NM_187841.3(TRIM54):c.81C>T (p.Pro27=)

Gene: TRIM54 (tripartite motif containing 54; plus strand). Cytogenetic location: 2p23.3.
Variant type: single nucleotide variant.
Coding change: c.81C>T on transcript NM_187841.3 (MANE Select); coding-DNA position 81, C replaced by T.
Protein change: p.Pro27=; no amino-acid change (proline 27 retained).
Molecular consequence: synonymous variant.
Genome position (GRCh38, 1-based): chr2:27,282,812, C>T. VCF-style: chr2-27282812-C-T. GRCh37 (hg19) VCF-style: chr2-27505680-C-T.
Other names: c.81C>T, p.Pro27= (NM_032546.4).
Identifiers: ClinVar variation 3052323 (VCV003052323.2), dbSNP rs142672168, ClinGen allele CA1574975.